The following is an entry in ClinVar:

NM_004991.4(MECOM):c.2082G>A (p.Met694Ile)

Gene: MECOM (MDS1 and EVI1 complex locus; minus strand). Cytogenetic location: 3q26.2.
Variant type: single nucleotide variant.
Coding change: c.2082G>A on transcript NM_004991.4 (MANE Select); coding-DNA position 2082, G replaced by A.
Protein change: p.Met694Ile; replaces methionine 694 with isoleucine.
Molecular consequence: missense variant. On other transcripts: intron variant (2).
Genome position (GRCh38, 1-based): chr3:169,115,790, C>T on the plus strand (G>A on the coding strand, the complement: MECOM is on the minus strand). VCF-style: chr3-169115790-C-T. GRCh37 (hg19) VCF-style: chr3-168833578-C-T.
Other names: c.1713G>A, p.Met571Ile (NM_001105077.4); c.1518G>A, p.Met506Ile (NM_001105078.4, NM_001164000.2, NM_001205194.2 and 4 more transcripts); c.1521G>A, p.Met507Ile (NM_001163999.2, NM_001366467.2, NM_001366468.2 and 1 more transcripts); c.2082G>A, p.Met694Ile (NM_001366466.2); c.1133-23G>A (NM_001366473.2); c.569-23G>A (NM_001366474.2); short protein forms M694I, M506I, M571I, M507I.
Identifiers: ClinVar variation 3871909 (VCV003871909.2).
Genomic context (GRCh38, chr3:169,115,790, plus strand): 5'-GTCTCTATCAGGAAATGGGTACATTGATTGAGAGAATGCTGGAAAAAATGGGAGGGGAAA[C>T]ATGGAAGGGTAAGGTAAAGCTCCAACTTTTTTGTCTTGCAGCCCCACCAGTCCTGTTGAA-3'
Protein context (NP_004982.2, residues 684-704): KKVGALPYPS[Met694Ile]FPLPFFPAFS

ClinVar aggregate classification (germline): Uncertain significance (1 of 4 stars; one submission).

Conditions:
Inborn genetic diseases. Identifiers: MedGen C0950123, MeSH D030342.

gnomAD v4.1: 5 of 1,613,944 alleles (0.00031%); highest among the groups gnomAD compares: Middle Eastern, 0.016%; no homozygotes.

Submission:

Ambry Genetics
Classification: Uncertain significance for Inborn genetic diseases. Last evaluated: 2025-07-22. Review status: criteria provided, single submitter. Criteria: Ambry Variant Classification Scheme 2023. Collection method: clinical testing. Allele origin: germline.
Comment: The p.M694I variant (also known as c.2082G>A), located in coding exon 8 of the MECOM gene, results from a G to A substitution at nucleotide position 2082. The methionine at codon 694 is replaced by isoleucine, an amino acid with highly similar properties. This amino acid position is conserved. In addition, this alteration is predicted to be tolerated by in silico analysis. Based on the available evidence, the clinical significance of this variant remains unclear.